The following is an entry in ClinVar:

ClinVar aggregate classification (germline): Uncertain significance (1 of 4 stars; one submission).

Allele frequency attached by ClinVar (database versions not stated): gnomAD exomes below 0.00001.
gnomAD v4.1: 2 of 1,614,154 alleles (0.00012%); highest among the groups gnomAD compares: South Asian, 0.0022%; no homozygotes.

Submission:

GeneDx
Classification: Uncertain significance. Last evaluated: 2019-11-07. Review status: criteria provided, single submitter. Criteria: GeneDx Variant Classification Process June 2021. Collection method: clinical testing. Allele origin: germline. Affected: yes.
Comment: Not observed at a significant frequency in large population cohorts (Lek et al., 2016); The majority of missense variants in this gene are considered pathogenic (Stenson et al., 2014); In silico analysis, which includes protein predictors and evolutionary conservation, supports a deleterious effect; Has not been previously published as pathogenic or benign to our knowledge; This substitution is predicted to be within the cytoplasmic loop between the first and second homologous domains

NM_001165963.4(SCN1A):c.1571A>T (p.Glu524Val)

Gene: SCN1A (sodium voltage-gated channel alpha subunit 1; minus strand). Cytogenetic location: 2q24.3.
Variant type: single nucleotide variant.
Coding change: c.1571A>T on transcript NM_001165963.4 (MANE Select); coding-DNA position 1571, A replaced by T.
Protein change: p.Glu524Val; replaces glutamic acid 524 with valine.
Molecular consequence: missense variant. On other transcripts: 5 prime UTR variant (1), non-coding transcript variant (1).
Genome position (GRCh38, 1-based): chr2:166,045,134, T>A on the plus strand (A>T on the coding strand, the complement: SCN1A is on the minus strand). VCF-style: chr2-166045134-T-A. GRCh37 (hg19) VCF-style: chr2-166901644-T-A.
Other names: c.1571A>T, p.Glu524Val (NM_001165964.3, NM_001202435.3, NM_001353948.2 and 7 more transcripts); c.1568A>T, p.Glu523Val (NM_001353954.2, NM_001353955.2, NM_001353960.2); c.-855A>T (NM_001353961.2); short protein forms E523V, E524V.
Identifiers: ClinVar variation 1310265 (VCV001310265.2), dbSNP rs1406176906, ClinGen allele CA349069310.
Genomic context (GRCh38, chr2:166,045,134, plus strand): 5'-GTCAATCGGTTCCCTTCAATGGAGAAGCGAAAACCTTTCCTCCTGATGCTGTCCTCAGAT[T>A]CAGATTTTTGGAATTCATCCTCATCTTTCTCTTCCCCACCAGACTGCTCTTTCTGTTTTC-3'
Protein context (NP_001159435.1, residues 514-534): EKDEDEFQKS[Glu524Val]SEDSIRRKGF